The following is an entry in ClinVar:

ClinVar aggregate classification (germline): Uncertain significance (1 of 4 stars; one submission).

Allele frequency attached by ClinVar (database versions not stated): ExAC 0.00001; gnomAD exomes 0.00001; gnomAD 0.00002; TOPMed 0.00003.
gnomAD v4.1: 13 of 1,184,818 alleles (0.0011%); highest among the groups gnomAD compares: South Asian, 0.0018%; no homozygotes.

Submission:

Labcorp Genetics (formerly Invitae), Labcorp
Classification: Uncertain significance. Last evaluated: 2022-04-29. Review status: criteria provided, single submitter. Criteria: Invitae Variant Classification Sherloc (09022015). Collection method: clinical testing. Allele origin: germline.
Comment: Algorithms developed to predict the effect of missense changes on protein structure and function output the following: SIFT: "Deleterious"; PolyPhen-2: "Benign"; Align-GVGD: "Class C15". The leucine amino acid residue is found in multiple mammalian species, which suggests that this missense change does not adversely affect protein function. This sequence change replaces serine, which is neutral and polar, with leucine, which is neutral and non-polar, at codon 1299 of the POLA1 protein (p.Ser1299Leu). This variant is not present in population databases (gnomAD no frequency). This variant has not been reported in the literature in individuals affected with POLA1-related conditions. In summary, the available evidence is currently insufficient to determine the role of this variant in disease. Therefore, it has been classified as a Variant of Uncertain Significance.

NM_001330360.2(POLA1):c.3914C>T (p.Ser1305Leu)

Gene: POLA1 (DNA polymerase alpha 1, catalytic subunit; plus strand). Cytogenetic location: Xp22.11.
Variant type: single nucleotide variant.
Coding change: c.3914C>T on transcript NM_001330360.2 (MANE Select); coding-DNA position 3914, C replaced by T.
Protein change: p.Ser1305Leu; replaces serine 1305 with leucine.
Molecular consequence: missense variant. On other transcripts: non-coding transcript variant (2).
Genome position (GRCh38, 1-based): chrX:24,841,829, C>T. VCF-style: chrX-24841829-C-T. GRCh37 (hg19) VCF-style: chrX-24859946-C-T.
Other names: c.3839C>T, p.Ser1280Leu (NM_001378303.1); c.3896C>T, p.Ser1299Leu (NM_016937.4); short protein forms S1305L, S1280L, S1299L.
Identifiers: ClinVar variation 1502675 (VCV001502675.4), dbSNP rs756257603, ClinGen allele CA10373633.